The following is an entry in ClinVar:

NM_007373.4(SHOC2):c.1554C>A (p.Asn518Lys)

Gene: SHOC2 (SHOC2 leucine rich repeat scaffold protein; plus strand). Cytogenetic location: 10q25.2.
Variant type: single nucleotide variant.
Coding change: c.1554C>A on transcript NM_007373.4 (MANE Select); coding-DNA position 1554, C replaced by A.
Protein change: p.Asn518Lys; replaces asparagine 518 with lysine.
Molecular consequence: missense variant. On other transcripts: non-coding transcript variant (1).
Genome position (GRCh38, 1-based): chr10:111,011,623, C>A. VCF-style: chr10-111011623-C-A. GRCh37 (hg19) VCF-style: chr10-112771381-C-A.
Other names: c.1416C>A, p.Asn472Lys (NM_001269039.3); c.1554C>A, p.Asn518Lys (NM_001324336.2, NM_001324337.2); short protein forms N518K, N472K.
Identifiers: ClinVar variation 1775117 (VCV001775117.2), dbSNP rs2134182982, ClinGen allele CA378525866.

ClinVar aggregate classification (germline): Uncertain significance (1 of 4 stars; one submission).

Conditions:
Cardiovascular phenotype. Identifiers: MedGen CN230736.

Submission:

Ambry Genetics
Classification: Uncertain significance for Cardiovascular phenotype. Last evaluated: 2021-08-19. Review status: criteria provided, single submitter. Criteria: Ambry Variant Classification Scheme 2023. Collection method: clinical testing. Allele origin: germline.
Comment: The p.N518K variant (also known as c.1554C>A), located in coding exon 8 of the SHOC2 gene, results from a C to A substitution at nucleotide position 1554. The asparagine at codon 518 is replaced by lysine, an amino acid with similar properties. This amino acid position is conserved. In addition, this alteration is predicted to be tolerated by in silico analysis. Since supporting evidence is limited at this time, the clinical significance of this alteration remains unclear.